The following is an entry in ClinVar:

ClinVar aggregate classification (germline): Pathogenic (1 of 4 stars; one submission).

Conditions:
Menkes kinky-hair syndrome (MNK). Also called: Copper transport disease; Menkes Disease; Classic Menkes Disease. Identifiers: Orphanet 565, MedGen C0022716, MONDO:0010651, OMIM 309400.
X-linked distal spinal muscular atrophy type 3. Also called: ATP7A-Related Distal Motor Neuropathy; SPINAL MUSCULAR ATROPHY, DISTAL, X-LINKED RECESSIVE; NEURONOPATHY, DISTAL HEREDITARY MOTOR, X-LINKED; NEUROPATHY, DISTAL HEREDITARY MOTOR, X-LINKED. Identifiers: Orphanet 139557, MedGen C1845359, MONDO:0010338, OMIM 300489.
Cutis laxa, X-linked (OHS). Also called: EDS IX; Occipital horn syndrome. Identifiers: Orphanet 198, MedGen C0268353, MONDO:0010572, OMIM 304150.

Submission:

Labcorp Genetics (formerly Invitae), Labcorp
Classification: Pathogenic for X-linked distal spinal muscular atrophy type 3; Cutis laxa, X-linked; Menkes kinky-hair syndrome. Last evaluated: 2025-12-08. Review status: criteria provided, single submitter. Criteria: Invitae Variant Classification Sherloc (09022015). Collection method: clinical testing. Allele origin: germline.
Comment: This sequence change creates a premature translational stop signal (p.Ser459*) in the ATP7A gene. It is expected to result in an absent or disrupted protein product. Loss-of-function variants in ATP7A are known to be pathogenic (PMID: 11241493, 20652413). This variant is not present in population databases (gnomAD no frequency). This variant has not been reported in the literature in individuals affected with ATP7A-related conditions. ClinVar contains an entry for this variant (Variation ID: 3756928). Algorithms developed to predict the effect of sequence changes on RNA splicing suggest that this variant may disrupt the consensus splice site. For these reasons, this variant has been classified as Pathogenic.

Literature cited by the submitters: PubMed 11241493; PubMed 20652413.

NM_000052.7(ATP7A):c.1376C>A (p.Ser459Ter)

Gene: ATP7A (ATPase copper transporting alpha; plus strand). Cytogenetic location: Xq21.1.
Variant type: single nucleotide variant.
Coding change: c.1376C>A on transcript NM_000052.7 (MANE Select); coding-DNA position 1376, C replaced by A.
Protein change: p.Ser459Ter; replaces serine 459 with a stop codon.
Molecular consequence: nonsense.
Genome position (GRCh38, 1-based): chrX:77,998,517, C>A. VCF-style: chrX-77998517-C-A. GRCh37 (hg19) VCF-style: chrX-77254014-C-A.
Other names: c.1376C>A, p.Ser459Ter (NM_001282224.2); short protein forms S459*.
Identifiers: ClinVar variation 3756928 (VCV003756928.2).